The following is an entry in ClinVar:

NM_001112741.2(KCNC1):c.1660T>G (p.Tyr554Asp)

Gene: KCNC1 (potassium voltage-gated channel subfamily C member 1; plus strand). Cytogenetic location: 11p15.1.
Variant type: single nucleotide variant.
Coding change: c.1660T>G on transcript NM_001112741.2 (MANE Select); coding-DNA position 1660, T replaced by G.
Protein change: p.Tyr554Asp; replaces tyrosine 554 with aspartic acid.
Molecular consequence: missense variant.
Genome position (GRCh38, 1-based): chr11:17,779,611, T>G. VCF-style: chr11-17779611-T-G. GRCh37 (hg19) VCF-style: chr11-17801158-T-G.
Other names: short protein forms Y554D.
Identifiers: ClinVar variation 931476 (VCV000931476.12), dbSNP rs1167541162, ClinGen allele CA379814567.
Genomic context (GRCh38, chr11:17,779,611, plus strand): 5'-TTTACGCGCTCGGGCACCCGCGAGAGATACGGACCCTGCTTCCTCTTATCAACCGGGGAG[T>G]ACGCGTGCCCACCTGGTGGAGGAATGAGAAAGGGTATGTAGAGGAAGCTGGAGCACCGTG-3'
Protein context (NP_001106212.1, residues 544-564): GPCFLLSTGE[Tyr554Asp]ACPPGGGMRK

ClinVar aggregate classification (germline): Uncertain significance. Review status: criteria provided, multiple submitters, no conflicts (2 of 4 stars). 3 submissions from 3 submitters: Uncertain significance (3). Last evaluated 2023-12-05.

Conditions:
Progressive myoclonic epilepsy type 7. Identifiers: Orphanet 435438, MedGen C4015420, MONDO:0014521, OMIM 616187.

Allele frequency attached by ClinVar (database versions not stated): gnomAD exomes 0.00001.
gnomAD v4.1: 8 of 1,549,266 alleles (0.00052%); highest among the groups gnomAD compares: Non-Finnish European, 0.0007%; no homozygotes.

Submissions (3):

Blueprint Genetics
Classification: Uncertain significance. Last evaluated: 2023-12-05. Review status: criteria provided, single submitter. Criteria: ACMG Guidelines, 2015. Collection method: clinical testing. Allele origin: germline.

Labcorp Genetics (formerly Invitae), Labcorp
Classification: Uncertain significance for Progressive myoclonic epilepsy type 7. Last evaluated: 2021-03-28. Review status: criteria provided, single submitter. Criteria: Invitae Variant Classification Sherloc (09022015). Collection method: clinical testing. Allele origin: germline.
Comment: In summary, the available evidence is currently insufficient to determine the role of this variant in disease. Therefore, it has been classified as a Variant of Uncertain Significance. Advanced modeling of protein sequence and biophysical properties (such as structural, functional, and spatial information, amino acid conservation, physicochemical variation, residue mobility, and thermodynamic stability) performed at Invitae indicates that this missense variant is expected to disrupt KCNC1 protein function. This variant has not been reported in the literature in individuals with KCNC1-related conditions. ClinVar contains an entry for this variant (Variation ID: 931476). This variant is not present in population databases (ExAC no frequency). This sequence change replaces tyrosine with aspartic acid at codon 554 of the KCNC1 protein (p.Tyr554Asp). The tyrosine residue is weakly conserved and there is a large physicochemical difference between tyrosine and aspartic acid.

Centre for Mendelian Genomics, University Medical Centre Ljubljana
Classification: Uncertain significance for Progressive myoclonic epilepsy type 7. Last evaluated: 2019-06-06. Review status: criteria provided, single submitter. Criteria: ACMG Guidelines, 2015. Collection method: clinical testing. Allele origin: unknown. Affected: yes.
Comment: This variant was classified as: Uncertain significance. The available evidence on this variant's pathogenicity is insufficient or conflicting. The following ACMG criteria were applied in classifying this variant: PM2,PP2,PP3.